The following is an entry in ClinVar:

ClinVar aggregate classification (germline): Uncertain significance (1 of 4 stars; one submission).

Conditions:
Early-infantile DEE. Also called: Early infantile epileptic encephalopathy; Ohtahara syndrome; Early infantile epileptic encephalopathy with suppression bursts. Identifiers: Orphanet 1934, MedGen C0393706, MONDO:0800491.

Submission:

Labcorp Genetics (formerly Invitae), Labcorp
Classification: Uncertain significance for Early-infantile DEE. Last evaluated: 2021-02-26. Review status: criteria provided, single submitter. Criteria: Invitae Variant Classification Sherloc (09022015). Collection method: clinical testing. Allele origin: germline.
Comment: This sequence change replaces threonine with alanine at codon 879 of the SCN8A protein (p.Thr879Ala). The threonine residue is highly conserved and there is a small physicochemical difference between threonine and alanine. This variant is not present in population databases (ExAC no frequency). This variant has not been reported in the literature in individuals with SCN8A-related conditions. Algorithms developed to predict the effect of missense changes on protein structure and function are either unavailable or do not agree on the potential impact of this missense change (SIFT: "Deleterious"; PolyPhen-2: "Probably Damaging"; Align-GVGD: "Class C0"). In summary, the available evidence is currently insufficient to determine the role of this variant in disease. Therefore, it has been classified as a Variant of Uncertain Significance.

NM_001330260.2(SCN8A):c.2635A>G (p.Thr879Ala)

Gene: SCN8A (sodium voltage-gated channel alpha subunit 8; plus strand). Cytogenetic location: 12q13.13.
Variant type: single nucleotide variant.
Coding change: c.2635A>G on transcript NM_001330260.2 (MANE Select); coding-DNA position 2635, A replaced by G.
Protein change: p.Thr879Ala; replaces threonine 879 with alanine.
Molecular consequence: missense variant.
Genome position (GRCh38, 1-based): chr12:51,765,761, A>G. VCF-style: chr12-51765761-A-G. GRCh37 (hg19) VCF-style: chr12-52159545-A-G.
Other names: c.2635A>G, p.Thr879Ala (NM_001177984.3, NM_001369788.1, NM_014191.4); short protein forms T879A.
Identifiers: ClinVar variation 1509893 (VCV001509893.9), dbSNP rs2138862740, ClinGen allele CA384887379.